The following is an entry in ClinVar:

NM_001040108.2(MLH3):c.3658_3669delinsAC (p.Val1220fs)

Gene: MLH3 (mutL homolog 3; minus strand). Cytogenetic location: 14q24.3.
Variant type: Indel.
Coding change: c.3658_3669delinsAC on transcript NM_001040108.2 (MANE Select); coding-DNA positions 3658 to 3669, GTGCTGGTGGAT replaced by AC.
Protein change: p.Val1220fs; shifts the reading frame from valine 1220.
Molecular consequence: frameshift variant. On other transcripts: intron variant (1).
Genome position (GRCh38, 1-based): chr14:75,033,465-75,033,476, ATCCACCAGCAC replaced by GT on the plus strand (GTGCTGGTGGAT replaced by AC on the coding strand, the reverse complement: MLH3 is on the minus strand). VCF-style: chr14-75033465-ATCCACCAGCAC-GT. GRCh37 (hg19) VCF-style: chr14-75500168-ATCCACCAGCAC-GT.
Other names: c.3644-1297_3644-1286delinsAC (NM_014381.3); c.3658_3669del12insAC (NM_001040108.1); short protein forms V1220fs.
Identifiers: ClinVar variation 3873520 (VCV003873520.2).

ClinVar aggregate classification (germline): Uncertain significance (1 of 4 stars; one submission).

Submission:

Ambry Genetics
Classification: Uncertain significance. Last evaluated: 2026-06-16. Review status: criteria provided, single submitter. Criteria: Ambry Variant Classification Scheme 2023. Collection method: clinical testing. Allele origin: germline.
Comment: The c.3658_3669del12insAC variant, located in coding exon 6 of the MLH3 gene, results from the deletion of 12 nucleotides and insertion of two nucleotides causing a translational frameshift with a predicted alternate stop codon (p.V1220Tfs*37). This region of the gene is excluded from other biologically relevant transcripts. Based on the available evidence, the clinical significance of this variant remains unclear.